The following is an entry in ClinVar:

ClinVar aggregate classification (germline): Pathogenic (1 of 4 stars; one submission).

gnomAD v4.1: 1 of 1,610,936 alleles (0.000062%); highest among the groups gnomAD compares: Non-Finnish European, 0.000085%; no homozygotes.

Submission:

Labcorp Genetics (formerly Invitae), Labcorp
Classification: Pathogenic. Last evaluated: 2023-08-10. Review status: criteria provided, single submitter. Criteria: Invitae Variant Classification Sherloc (09022015). Collection method: clinical testing. Allele origin: germline.
Comment: ClinVar contains an entry for this variant (Variation ID: 1413600). This sequence change creates a premature translational stop signal (p.Gln753*) in the PDE6B gene. It is expected to result in an absent or disrupted protein product. Loss-of-function variants in PDE6B are known to be pathogenic (PMID: 8394174, 8595886, 22334370). This variant is not present in population databases (gnomAD no frequency). This variant has not been reported in the literature in individuals affected with PDE6B-related conditions. For these reasons, this variant has been classified as Pathogenic.

Literature cited by the submitters: PubMed 8394174; PubMed 8595886; PubMed 22334370.

NM_000283.4(PDE6B):c.2257C>T (p.Gln753Ter)

Gene: PDE6B (phosphodiesterase 6B; plus strand). Cytogenetic location: 4p16.3.
Variant type: single nucleotide variant.
Coding change: c.2257C>T on transcript NM_000283.4 (MANE Select); coding-DNA position 2257, C replaced by T.
Protein change: p.Gln753Ter; replaces glutamine 753 with a stop codon.
Molecular consequence: nonsense.
Genome position (GRCh38, 1-based): chr4:665,318, C>T. VCF-style: chr4-665318-C-T. GRCh37 (hg19) VCF-style: chr4-659107-C-T.
Other names: c.2257C>T, p.Gln753Ter (NM_001145291.2); c.1420C>T, p.Gln474Ter (NM_001145292.2, NM_001350154.3, NM_001379246.1 and 1 more transcripts); c.1102C>T, p.Gln368Ter (NM_001350155.3); short protein forms Q368*, Q474*, Q753*.
Identifiers: ClinVar variation 1413600 (VCV001413600.6), dbSNP rs779052095, ClinGen allele CA355920146.